The following is an entry in ClinVar:

NM_031293.3(PMFBP1):c.2020A>C (p.Thr674Pro)

Gene: PMFBP1 (polyamine modulated factor 1 binding protein 1; minus strand). Cytogenetic location: 16q22.2.
Variant type: single nucleotide variant.
Coding change: c.2020A>C on transcript NM_031293.3 (MANE Select); coding-DNA position 2020, A replaced by C.
Protein change: p.Thr674Pro; replaces threonine 674 with proline.
Molecular consequence: missense variant.
Genome position (GRCh38, 1-based): chr16:72,128,725, T>G on the plus strand (A>C on the coding strand, the complement: PMFBP1 is on the minus strand). VCF-style: chr16-72128725-T-G. GRCh37 (hg19) VCF-style: chr16-72162624-T-G.
Other names: c.1585A>C, p.Thr529Pro (NM_001160213.2); short protein forms T529P, T674P.
Identifiers: ClinVar variation 4883274 (VCV004883274.2).

ClinVar aggregate classification (germline): Uncertain significance (1 of 4 stars; one submission).

Submission:

Dasa
Classification: Uncertain significance. Last evaluated: 2025-11-17. Review status: criteria provided, single submitter. Criteria: DASA Assertion Criteria. Collection method: clinical testing. Allele origin: germline.
Comment: NM_031293.3(PMFBP1):c.2020A>C (p.Thr674Pro) is a missense variant that results in the substitution of threonine with proline. This variant is absent from population databases. Computational prediction algorithms are consistent with a benign effect. The currently available literature and clinical evidence are not sufficient to establish a definitive association between this variant and the reported condition. Therefore, this variant is classified as a variant of uncertain significance.